The following is an entry in ClinVar:

NM_000268.4(NF2):c.1055C>T (p.Thr352Met)

Gene: NF2 (NF2, moesin-ezrin-radixin like (MERLIN) tumor suppressor; plus strand). Cytogenetic location: 22q12.2.
Variant type: single nucleotide variant.
Coding change: c.1055C>T on transcript NM_000268.4 (MANE Select); coding-DNA position 1055, C replaced by T.
Protein change: p.Thr352Met; replaces threonine 352 with methionine.
Molecular consequence: missense variant. On other transcripts: non-coding transcript variant (1), intron variant (1).
Genome position (GRCh38, 1-based): chr22:29,671,881, C>T. VCF-style: chr22-29671881-C-T. GRCh37 (hg19) VCF-style: chr22-30067870-C-T.
Other names: c.1055C>T, p.Thr352Met (NM_016418.5, NM_181825.3, NM_181832.3); c.929C>T, p.Thr310Met (NM_181828.3); c.932C>T, p.Thr311Met (NM_181829.3); c.806C>T, p.Thr269Met (NM_181830.3, NM_181831.3); c.448-22871C>T (NM_181833.3); short protein forms T352M, T269M, T310M, T311M.
Identifiers: ClinVar variation 569661 (VCV000569661.19), dbSNP rs764441073, ClinGen allele CA323116035.

ClinVar aggregate classification (germline): Conflicting classifications of pathogenicity. Review status: criteria provided, conflicting classifications (1 of 4 stars). 6 submissions from 6 submitters: Uncertain significance (4); Likely benign (2). Last evaluated 2026-05-19.

Conditions:
Familial meningioma. Also called: Meningioma, familial, susceptibility to. Identifiers: Orphanet 263662, MedGen C3551915, MONDO:0011789, OMIM 607174.
Hereditary cancer-predisposing syndrome. Also called: Hereditary neoplastic syndrome; Neoplastic Syndromes, Hereditary; Hereditary Cancer Syndrome; Tumor predisposition. Identifiers: Orphanet 140162, MedGen C0027672, MeSH D009386, MONDO:0015356.
Neurofibromatosis, type 2 (SWNV). Also called: BILATERAL ACOUSTIC NEUROFIBROMATOSIS; SCHWANNOMATOSIS, VESTIBULAR; NF2-Related Schwannomatosis. Identifiers: Orphanet 637, MedGen C0027832, MONDO:0007039, OMIM 101000. Disease mechanism: loss of function.

Allele frequency attached by ClinVar (database versions not stated): TOPMed 0.00003; gnomAD 0.00004 and 0.00003; gnomAD exomes 0.00001 and 0.00002.
gnomAD v4.1: 29 of 1,613,914 alleles (0.0018%); highest among the groups gnomAD compares: African/African-American, 0.008%; no homozygotes.

Submissions (6):

Ambry Genetics
Classification: Likely benign for Hereditary cancer-predisposing syndrome. Last evaluated: 2026-05-19. Review status: criteria provided, single submitter. Criteria: Ambry Variant Classification Scheme 2023. Collection method: clinical testing. Allele origin: germline.

Labcorp Genetics (formerly Invitae), Labcorp
Classification: Likely benign for Neurofibromatosis, type 2. Last evaluated: 2026-01-26. Review status: criteria provided, single submitter. Criteria: Invitae Variant Classification Sherloc (09022015). Collection method: clinical testing. Allele origin: germline.

Baylor Genetics
Classification: Uncertain significance for Familial meningioma. Last evaluated: 2024-03-24. Review status: criteria provided, single submitter. Criteria: ACMG Guidelines, 2015. Collection method: clinical testing. Allele origin: unknown.

All of Us Research Program, National Institutes of Health
Classification: Uncertain significance for Neurofibromatosis, type 2. Last evaluated: 2023-11-20. Review status: criteria provided, single submitter. Criteria: ACMG Guidelines, 2015. Collection method: clinical testing. Allele origin: germline. Inheritance: Autosomal dominant inheritance. Observed: 3 variant alleles, 3 heterozygotes.
Comment: This missense variant replaces threonine with methionine at codon 352 of the NF2 protein. Computational prediction is inconclusive regarding the impact of this variant on protein structure and function (internally defined REVEL score threshold 0.5 < inconclusive < 0.7, PMID: 27666373). Functional studies have reported that the variant protein behaved similar to wild-type protein expressed in ex vivo cultured cells in protein expression, protein-protein interaction, subcellular localization, cell proliferation and actin cytoskeleton associated activity assays (PMID: 10712203, 11448944). This variant has been reported in an individual affected with type 2 neurofibromatosis (PMID: 8081368). This variant has been identified in 3/251460 chromosomes in the general population by the Genome Aggregation Database (gnomAD). The available evidence is insufficient to determine the role of this variant in disease conclusively. Therefore, this variant is classified as a Variant of Uncertain Significance.

This study involves interpretation of variants in research participants for the purpose of population health screening. Participant phenotype was not available at the time of variant classification. Additional details can be found in publication PMID: 35346344, PMCID: PMC8962531

Color Diagnostics, LLC DBA Color Health
Classification: Uncertain significance for Neurofibromatosis, type 2. Last evaluated: 2023-11-01. Review status: criteria provided, single submitter. Criteria: ACMG Guidelines, 2015. Collection method: clinical testing. Allele origin: germline.
Comment: This missense variant replaces threonine with methionine at codon 352 of the NF2 protein. Computational prediction is inconclusive regarding the impact of this variant on protein structure and function. Functional studies have reported that the variant protein behaved similar to wild-type protein expressed in ex vivo cultured cells in protein expression, protein-protein interaction, subcellular localization, cell proliferation and actin cytoskeleton associated activity assays (PMID: 10712203, 11448944). This variant has been reported in an individual affected with type 2 neurofibromatosis (PMID: 8081368). This variant has been identified in 3/251460 chromosomes in the general population by the Genome Aggregation Database (gnomAD). The available evidence is insufficient to determine the role of this variant in disease conclusively. Therefore, this variant is classified as a Variant of Uncertain Significance.

Blueprint Genetics
Classification: Uncertain significance. Last evaluated: 2022-09-23. Review status: criteria provided, single submitter. Criteria: ACMG Guidelines, 2015. Collection method: clinical testing. Allele origin: germline.

Literature cited by the submitters: PubMed 10712203 (cited by 3 submitters); PubMed 11448944 (cited by 3 submitters); PubMed 11779178 (cited by Ambry Genetics); PubMed 1479598 (cited by Ambry Genetics); PubMed 8081368 (cited by 3 submitters).